The following is an entry in ClinVar:

NM_001134407.3(GRIN2A):c.3492G>A (p.Thr1164=)

Gene: GRIN2A (glutamate ionotropic receptor NMDA type subunit 2A; minus strand). Cytogenetic location: 16p13.2.
Variant type: single nucleotide variant.
Coding change: c.3492G>A on transcript NM_001134407.3 (MANE Select); coding-DNA position 3492, G replaced by A.
Protein change: p.Thr1164=; no amino-acid change (threonine 1164 retained).
Molecular consequence: synonymous variant.
Genome position (GRCh38, 1-based): chr16:9,764,052, C>T on the plus strand (G>A on the coding strand, the complement: GRIN2A is on the minus strand). VCF-style: chr16-9764052-C-T. GRCh37 (hg19) VCF-style: chr16-9857909-C-T.
Other names: c.3492G>A, p.Thr1164= (NM_000833.5, NM_001134408.2).
Identifiers: ClinVar variation 509818 (VCV000509818.6), dbSNP rs1330743809, ClinGen allele CA493693393.

ClinVar aggregate classification (germline): Likely benign. Review status: criteria provided, multiple submitters, no conflicts (2 of 4 stars). 2 submissions from 2 submitters: Likely benign (2). Last evaluated 2022-09-23.

Conditions:
Landau-Kleffner syndrome (FESD). Also called: EPILEPSY, FOCAL, WITH SPEECH DISORDER AND WITH OR WITHOUT MENTAL RETARDATION; APHASIA, ACQUIRED, WITH EPILEPSY. Identifiers: Orphanet 1945, Orphanet 725, Orphanet 98818, MedGen C0282512, MONDO:0009509, OMIM 245570.

Allele frequency attached by ClinVar (database versions not stated): gnomAD exomes below 0.00001.
gnomAD v4.1: 4 of 1,613,794 alleles (0.00025%); highest among the groups gnomAD compares: South Asian, 0.0011%; no homozygotes.

Submissions (2):

Labcorp Genetics (formerly Invitae), Labcorp
Classification: Likely benign for Landau-Kleffner syndrome. Last evaluated: 2022-09-23. Review status: criteria provided, single submitter. Criteria: Invitae Variant Classification Sherloc (09022015). Collection method: clinical testing. Allele origin: germline.

GeneDx
Classification: Likely benign. Last evaluated: 2017-05-25. Review status: criteria provided, single submitter. Criteria: GeneDx Variant Classification (06012015). Collection method: clinical testing. Allele origin: germline. Affected: yes.
Comment: This variant is considered likely benign or benign based on one or more of the following criteria: it is a conservative change, it occurs at a poorly conserved position in the protein, it is predicted to be benign by multiple in silico algorithms, and/or has population frequency not consistent with disease.